The following is an entry in ClinVar:

NM_032043.3(BRIP1):c.587A>C (p.Asn196Thr)

Gene: BRIP1 (BRCA1 interacting DNA helicase 1; minus strand). Cytogenetic location: 17q23.2.
Variant type: single nucleotide variant.
Coding change: c.587A>C on transcript NM_032043.3 (MANE Select); coding-DNA position 587, A replaced by C.
Protein change: p.Asn196Thr; replaces asparagine 196 with threonine.
Molecular consequence: missense variant.
Genome position (GRCh38, 1-based): chr17:61,847,141, T>G on the plus strand (A>C on the coding strand, the complement: BRIP1 is on the minus strand). VCF-style: chr17-61847141-T-G. GRCh37 (hg19) VCF-style: chr17-59924502-T-G.
Other names: short protein forms N196T.
Identifiers: ClinVar variation 1750237 (VCV001750237.5), dbSNP rs550707862, ClinGen allele CA400482971.

ClinVar aggregate classification (germline): Uncertain significance. Review status: criteria provided, multiple submitters, no conflicts (2 of 4 stars). 2 submissions from 2 submitters: Uncertain significance (2). Last evaluated 2023-11-03.

Conditions:
Hereditary cancer-predisposing syndrome. Also called: Neoplastic Syndromes, Hereditary; Tumor predisposition; Hereditary neoplastic syndrome; Hereditary Cancer Syndrome. Identifiers: Orphanet 140162, MedGen C0027672, MeSH D009386, MONDO:0015356.
Fanconi anemia complementation group J. Also called: BRIP1-Related Fanconi Anemia. Identifiers: Orphanet 84, MedGen C1836860, MONDO:0012187, OMIM 609054.
Familial cancer of breast. Also called: BREAST CANCER, FAMILIAL; Hereditary breast cancer; hereditary breast carcinoma. Identifiers: Orphanet 227535, MedGen C0346153, MONDO:0016419, OMIM 114480. Disease mechanism: loss of function.

Submissions (2):

Labcorp Genetics (formerly Invitae), Labcorp
Classification: Uncertain significance for Familial cancer of breast; Fanconi anemia complementation group J. Last evaluated: 2023-11-03. Review status: criteria provided, single submitter. Criteria: Invitae Variant Classification Sherloc (09022015). Collection method: clinical testing. Allele origin: germline.
Comment: This sequence change replaces asparagine, which is neutral and polar, with threonine, which is neutral and polar, at codon 196 of the BRIP1 protein (p.Asn196Thr). This variant is not present in population databases (gnomAD no frequency). This variant has not been reported in the literature in individuals affected with BRIP1-related conditions. ClinVar contains an entry for this variant (Variation ID: 1750237). Advanced modeling of protein sequence and biophysical properties (such as structural, functional, and spatial information, amino acid conservation, physicochemical variation, residue mobility, and thermodynamic stability) performed at Invitae indicates that this missense variant is not expected to disrupt BRIP1 protein function with a negative predictive value of 80%. In summary, the available evidence is currently insufficient to determine the role of this variant in disease. Therefore, it has been classified as a Variant of Uncertain Significance.

Ambry Genetics
Classification: Uncertain significance for Hereditary cancer-predisposing syndrome. Last evaluated: 2020-08-11. Review status: criteria provided, single submitter. Criteria: Ambry Variant Classification Scheme 2023. Collection method: clinical testing. Allele origin: germline.
Comment: The p.N196T variant (also known as c.587A>C), located in coding exon 5 of the BRIP1 gene, results from an A to C substitution at nucleotide position 587. The asparagine at codon 196 is replaced by threonine, an amino acid with similar properties. This amino acid position is not well conserved in available vertebrate species. In addition, this alteration is predicted to be tolerated by in silico analysis. Since supporting evidence is limited at this time, the clinical significance of this alteration remains unclear.